The following is an entry in ClinVar:

ClinVar aggregate classification (germline): Uncertain significance (1 of 4 stars; one submission).

gnomAD v4.1: 2 of 1,509,016 alleles (0.00013%); highest among the groups gnomAD compares: African/African-American, 0.0014%; no homozygotes.

Submission:

GeneDx
Classification: Uncertain significance. Last evaluated: 2024-08-21. Review status: criteria provided, single submitter. Criteria: GeneDx Variant Classification Process June 2021. Collection method: clinical testing. Allele origin: germline. Affected: yes.
Comment: Not observed at significant frequency in large population cohorts (gnomAD); In silico analysis indicates that this missense variant does not alter protein structure/function; Has not been previously published as pathogenic or benign to our knowledge

NM_016239.4(MYO15A):c.2330A>G (p.Gln777Arg)

Gene: MYO15A (myosin XVA; plus strand). Cytogenetic location: 17p11.2.
Variant type: single nucleotide variant.
Coding change: c.2330A>G on transcript NM_016239.4 (MANE Select); coding-DNA position 2330, A replaced by G.
Protein change: p.Gln777Arg; replaces glutamine 777 with arginine.
Molecular consequence: missense variant.
Genome position (GRCh38, 1-based): chr17:18,121,130, A>G. VCF-style: chr17-18121130-A-G. GRCh37 (hg19) VCF-style: chr17-18024444-A-G.
Other names: short protein forms Q777R.
Identifiers: ClinVar variation 3764405 (VCV003764405.1).